The following is an entry in ClinVar:

NM_206926.2(SELENON):c.1259G>A (p.Gly420Glu)

Gene: SELENON (selenoprotein N; plus strand). Cytogenetic location: 1p36.11.
Variant type: single nucleotide variant.
Coding change: c.1259G>A on transcript NM_206926.2 (MANE Select); coding-DNA position 1259, G replaced by A.
Protein change: p.Gly420Glu; replaces glycine 420 with glutamic acid.
Molecular consequence: missense variant.
Genome position (GRCh38, 1-based): chr1:25,812,766, G>A. VCF-style: chr1-25812766-G-A. GRCh37 (hg19) VCF-style: chr1-26139257-G-A.
Other names: c.1361G>A, p.Gly454Glu (NM_020451.3); short protein forms G420E, G454E.
Identifiers: ClinVar variation 4278566 (VCV004278566.1).

ClinVar aggregate classification (germline): Uncertain significance (1 of 4 stars; one submission).

gnomAD v4.1: 1 of 1,613,532 alleles (0.000062%); highest among the groups gnomAD compares: Non-Finnish European, 0.000085%; no homozygotes.

Submission:

GeneDx
Classification: Uncertain significance. Last evaluated: 2025-04-01. Review status: criteria provided, single submitter. Criteria: GeneDx Variant Classification Process June 2021. Collection method: clinical testing. Allele origin: germline. Affected: yes.
Comment: Not observed at significant frequency in large population cohorts (gnomAD); In silico analysis supports that this missense variant has a deleterious effect on protein structure/function; Has not been previously published as pathogenic or benign to our knowledge